The following is an entry in ClinVar:

NM_000138.5(FBN1):c.7735dup (p.His2579fs)

Gene: FBN1 (fibrillin 1; minus strand). Cytogenetic location: 15q21.1.
Variant type: Duplication.
Coding change: c.7735dup on transcript NM_000138.5 (MANE Select); coding-DNA position 7735, one base duplicated (C; older notation c.7735dupC).
Protein change: p.His2579fs; shifts the reading frame from histidine 2579.
Molecular consequence: frameshift variant.
Genome position (GRCh38, 1-based): chr15:48,420,771, G duplicated on the plus strand (C on the coding strand, the reverse complement: FBN1 is on the minus strand). VCF-style (leftmost placement, unchanged base first): chr15-48420770-T-TG. GRCh37 (hg19) VCF-style: chr15-48712967-T-TG.
Other names: c.7735dup, p.His2579fs (NM_001406716.1); short protein forms H2579fs.
Identifiers: ClinVar variation 3076038 (VCV003076038.1), dbSNP rs2505395185, ClinGen allele CA913187664.

ClinVar aggregate classification (germline): Pathogenic (1 of 4 stars; one submission).

Conditions:
Marfan syndrome (MFS). Also called: MARFAN SYNDROME, TYPE I; Marfan syndrome type 1; Marfan's syndrome; Marfan syndrome, classic; FBN1-Related Marfan Syndrome. Identifiers: Orphanet 284963, Orphanet 558, MedGen C0024796, MONDO:0007947, OMIM 154700.

Submission:

Laboratory for Molecular Medicine, Mass General Brigham Personalized Medicine
Classification: Pathogenic for Marfan syndrome. Last evaluated: 2019-01-28. Review status: criteria provided, single submitter. Criteria: ACMG Guidelines, 2015. Collection method: clinical testing. Allele origin: germline. Inheritance: Autosomal dominant inheritance.
Comment: The p.His2579fs variant in FBN1 has not been previously reported in individuals with clinical features of Marfan syndrome or in large population studies. This variant is predicted to cause a frameshift, which alters the protein’s amino acid sequence beginning at position 2579 and leads to a premature termination codon 29 amino acids downstream. This alteration is then predicted to lead to a truncated or absent protein. Heterozygous loss of function of the FBN1 gene is an established disease mechanism in Marfan syndrome. In summary, this variant meets criteria to be classified as pathogenic for Marfan syndrome in an autosomal dominant manner based upon the predicted impact to the protein and absence in controls.